The following is an entry in ClinVar:

ClinVar aggregate classification (germline): Uncertain significance (1 of 4 stars; one submission).

Conditions:
Deficiency of alpha-mannosidase (MANSA). Also called: LYSOSOMAL ALPHA-D-MANNOSIDASE DEFICIENCY; Alpha-Mannosidosis; Mannosidosis, alpha-, types I and II. Identifiers: Orphanet 61, MedGen C0024748, MONDO:0009561, OMIM 248500.

Submission:

Myriad Genetics, Inc.
Classification: Uncertain significance for Deficiency of alpha-mannosidase. Last evaluated: 2026-06-23. Review status: criteria provided, single submitter. Criteria: Myriad Autosomal Dominant, Autosomal Recessive and X-Linked Classification Criteria (2023). Collection method: clinical testing. Allele origin: unknown.
Comment: NM_000528.3(MAN2B1):c.1929_1940del12(W643_S647delinsC) is an in-frame deletion classified as a variant of uncertain significance in the context of alpha-mannosidosis. W643_S647delinsC has not been observed in cases with relevant disease. Relevant functional assessments of this variant are not available in the literature. W643_S647delinsC has not been observed in referenced population frequency databases. In summary, there is insufficient evidence to classify NM_000528.3(MAN2B1):c.1929_1940del12(W643_S647delinsC) as pathogenic or benign. Please note: this variant was assessed in the context of healthy population screening.

NC_000019.10:g.12652263_12652274del

Gene: MAN2B1 (mannosidase alpha class 2B member 1; minus strand). Cytogenetic location: 19p13.13.
Variant type: Deletion.
Genome position: GRCh38 VCF-style: chr19-12652258-ACTGGCGTTGTAC-A. GRCh37 (hg19) VCF-style: chr19-12763072-ACTGGCGTTGTAC-A.
Identifiers: ClinVar variation 5004735 (VCV005004735.1).